The following is an entry in ClinVar:

ClinVar aggregate classification (germline): Uncertain significance (1 of 4 stars; one submission).

Conditions:
Trichorhinophalangeal dysplasia type I (TRPS1). Also called: TRICHORHINOPHALANGEAL SYNDROME, TYPE I; TRPS I. Identifiers: Orphanet 77258, MedGen C0432233, MONDO:0008596, OMIM 190350.
Trichorhinophalangeal syndrome, type III (TRPS3). Also called: SUGIO-KAJII SYNDROME. Identifiers: Orphanet 77258, MedGen C1860823, OMIM 190351, MONDO:0008597.

gnomAD v4.1: 1 of 1,614,204 alleles (0.000062%); highest among the groups gnomAD compares: Non-Finnish European, 0.000085%; no homozygotes.

Submission:

Labcorp Genetics (formerly Invitae), Labcorp
Classification: Uncertain significance for Trichorhinophalangeal syndrome, type III; Trichorhinophalangeal dysplasia type I. Last evaluated: 2025-01-05. Review status: criteria provided, single submitter. Criteria: Invitae Variant Classification Sherloc (09022015). Collection method: clinical testing. Allele origin: germline.
Comment: This sequence change replaces proline, which is neutral and non-polar, with leucine, which is neutral and non-polar, at codon 203 of the TRPS1 protein (p.Pro203Leu). This variant is present in population databases (no rsID available, gnomAD 0.0009%). This variant has not been reported in the literature in individuals affected with TRPS1-related conditions. Invitae Evidence Modeling of protein sequence and biophysical properties (such as structural, functional, and spatial information, amino acid conservation, physicochemical variation, residue mobility, and thermodynamic stability) indicates that this missense variant is not expected to disrupt TRPS1 protein function with a negative predictive value of 80%. In summary, the available evidence is currently insufficient to determine the role of this variant in disease. Therefore, it has been classified as a Variant of Uncertain Significance.

NM_014112.5(TRPS1):c.608C>T (p.Pro203Leu)

Gene: TRPS1 (transcriptional repressor GATA binding 1; minus strand). Cytogenetic location: 8q23.3.
Variant type: single nucleotide variant.
Coding change: c.608C>T on transcript NM_014112.5 (MANE Select); coding-DNA position 608, C replaced by T.
Protein change: p.Pro203Leu; replaces proline 203 with leucine.
Molecular consequence: missense variant.
Genome position (GRCh38, 1-based): chr8:115,619,490, G>A on the plus strand (C>T on the coding strand, the complement: TRPS1 is on the minus strand). VCF-style: chr8-115619490-G-A. GRCh37 (hg19) VCF-style: chr8-116631717-G-A.
Other names: c.581C>T, p.Pro194Leu (NM_001282902.3); c.587C>T, p.Pro196Leu (NM_001282903.3); c.569C>T, p.Pro190Leu (NM_001330599.2); short protein forms P190L, P194L, P196L, P203L.
Identifiers: ClinVar variation 3758434 (VCV003758434.2).
Genomic context (GRCh38, chr8:115,619,490, plus strand): 5'-GGGTTGTCATTCACCAGTAAGTCAGTTTTGGATTTATTCAGTCTTACACCCCCATCTGAA[G>A]GCACTTGTGGGTTTTTTGAGGCCACTGAAACTGGGCTCAAACCTTGACAATTGGCTTGAC-3'
Protein context (NP_054831.2, residues 193-213): VSVASKNPQV[Pro203Leu]SDGGVRLNKS